The following is an entry in ClinVar:

NM_001111125.3(IQSEC2):c.1856T>G (p.Leu619Arg)

Gene: IQSEC2 (IQ motif and Sec7 domain ArfGEF 2; minus strand). Cytogenetic location: Xp11.22.
Variant type: single nucleotide variant.
Coding change: c.1856T>G on transcript NM_001111125.3 (MANE Select); coding-DNA position 1856, T replaced by G.
Protein change: p.Leu619Arg; replaces leucine 619 with arginine.
Molecular consequence: missense variant.
Genome position (GRCh38, 1-based): chrX:53,250,720, A>C on the plus strand (T>G on the coding strand, the complement: IQSEC2 is on the minus strand). VCF-style: chrX-53250720-A-C. GRCh37 (hg19) VCF-style: chrX-53279902-A-C.
Other names: c.1856T>G, p.Leu619Arg (NM_001410736.1, NM_001441092.1); c.1358T>G, p.Leu453Arg (NM_001441093.1); c.1145T>G, p.Leu382Arg (NM_001441094.1, NM_001441095.1); c.1241T>G, p.Leu414Arg (NM_015075.2); short protein forms L382R, L414R, L453R, L619R.
Identifiers: ClinVar variation 4281799 (VCV004281799.1).

ClinVar aggregate classification (germline): Uncertain significance (1 of 4 stars; one submission).

gnomAD v4.1: 1 of 1,210,133 alleles (0.000083%); highest among the groups gnomAD compares: South Asian, 0.0018%; no homozygotes.

Submission:

GeneDx
Classification: Uncertain significance. Last evaluated: 2025-04-09. Review status: criteria provided, single submitter. Criteria: GeneDx Variant Classification Process June 2021. Collection method: clinical testing. Allele origin: germline. Affected: yes.
Comment: Not observed at significant frequency in large population cohorts (gnomAD); In silico analysis indicates that this missense variant does not alter protein structure/function; Has not been previously published as pathogenic or benign to our knowledge